The following is an entry in ClinVar:

ClinVar aggregate classification (germline): Uncertain significance. Review status: criteria provided, multiple submitters, no conflicts (2 of 4 stars). 2 submissions from 2 submitters: Uncertain significance (2). Last evaluated 2025-10-18.

Conditions:
Spastic paraplegia. Identifiers: MedGen C0037772, HP:0001258.
Inborn genetic diseases. Identifiers: MedGen C0950123, MeSH D030342.

Allele frequency attached by ClinVar (database versions not stated): gnomAD exomes below 0.00001.
gnomAD v4.1: 1 of 1,614,082 alleles (0.000062%); highest among the groups gnomAD compares: South Asian, 0.0011%; no homozygotes.

Submissions (2):

Ambry Genetics
Classification: Uncertain significance for Inborn genetic diseases. Last evaluated: 2025-10-18. Review status: criteria provided, single submitter. Criteria: Ambry Variant Classification Scheme 2023. Collection method: clinical testing. Allele origin: germline.

Labcorp Genetics (formerly Invitae), Labcorp
Classification: Uncertain significance for Spastic paraplegia. Last evaluated: 2022-08-23. Review status: criteria provided, single submitter. Criteria: Invitae Variant Classification Sherloc (09022015). Collection method: clinical testing. Allele origin: germline.
Comment: This sequence change replaces lysine, which is basic and polar, with arginine, which is basic and polar, at codon 608 of the ZFYVE26 protein (p.Lys608Arg). This variant is not present in population databases (gnomAD no frequency). This variant has not been reported in the literature in individuals affected with ZFYVE26-related conditions. Algorithms developed to predict the effect of missense changes on protein structure and function output the following: SIFT: "Tolerated"; PolyPhen-2: "Benign"; Align-GVGD: "Class C0". The arginine amino acid residue is found in multiple mammalian species, which suggests that this missense change does not adversely affect protein function. In summary, the available evidence is currently insufficient to determine the role of this variant in disease. Therefore, it has been classified as a Variant of Uncertain Significance.

NM_015346.4(ZFYVE26):c.1823A>G (p.Lys608Arg)

Gene: ZFYVE26 (zinc finger FYVE-type containing 26; minus strand). Cytogenetic location: 14q24.1.
Variant type: single nucleotide variant.
Coding change: c.1823A>G on transcript NM_015346.4 (MANE Select); coding-DNA position 1823, A replaced by G.
Protein change: p.Lys608Arg; replaces lysine 608 with arginine.
Molecular consequence: missense variant.
Genome position (GRCh38, 1-based): chr14:67,798,439, T>C on the plus strand (A>G on the coding strand, the complement: ZFYVE26 is on the minus strand). VCF-style: chr14-67798439-T-C. GRCh37 (hg19) VCF-style: chr14-68265156-T-C.
Other names: c.1823A>G (NM_015346.3); short protein forms K608R.
Identifiers: ClinVar variation 1903269 (VCV001903269.3), dbSNP rs2502857790, ClinGen allele CA390175785.